The following is an entry in ClinVar:

NM_003038.5(SLC1A4):c.500C>G (p.Thr167Arg)

Gene: SLC1A4 (solute carrier family 1 member 4; plus strand). Cytogenetic location: 2p14.
Variant type: single nucleotide variant.
Coding change: c.500C>G on transcript NM_003038.5 (MANE Select); coding-DNA position 500, C replaced by G.
Protein change: p.Thr167Arg; replaces threonine 167 with arginine.
Molecular consequence: missense variant. On other transcripts: intron variant (3).
Genome position (GRCh38, 1-based): chr2:64,990,143, C>G. VCF-style: chr2-64990143-C-G. GRCh37 (hg19) VCF-style: chr2-65217277-C-G.
Other names: c.-134+1523C>G (NM_001348406.2, NM_001193493.2); c.-134+1589C>G (NM_001348407.2); short protein forms T167R.
Identifiers: ClinVar variation 1440708 (VCV001440708.6), dbSNP rs553115234, ClinGen allele CA347079008.

ClinVar aggregate classification (germline): Uncertain significance (1 of 4 stars; one submission).

Submission:

Labcorp Genetics (formerly Invitae), Labcorp
Classification: Uncertain significance. Last evaluated: 2021-08-16. Review status: criteria provided, single submitter. Criteria: Invitae Variant Classification Sherloc (09022015). Collection method: clinical testing. Allele origin: germline.
Comment: In summary, the available evidence is currently insufficient to determine the role of this variant in disease. Therefore, it has been classified as a Variant of Uncertain Significance. Algorithms developed to predict the effect of missense changes on protein structure and function are either unavailable or do not agree on the potential impact of this missense change (SIFT: "Deleterious"; PolyPhen-2: "Probably Damaging"; Align-GVGD: "Class C0"). This variant has not been reported in the literature in individuals affected with SLC1A4-related conditions. This variant is not present in population databases (ExAC no frequency). This sequence change replaces threonine with arginine at codon 167 of the SLC1A4 protein (p.Thr167Arg). The threonine residue is highly conserved and there is a moderate physicochemical difference between threonine and arginine.